The following is an entry in ClinVar:

ClinVar aggregate classification (germline): Pathogenic (1 of 4 stars; one submission).

gnomAD v4.1: 1 of 1,613,106 alleles (0.000062%); no homozygotes.

Submission:

Labcorp Genetics (formerly Invitae), Labcorp
Classification: Pathogenic. Last evaluated: 2018-11-02. Review status: criteria provided, single submitter. Criteria: Invitae Variant Classification Sherloc (09022015). Collection method: clinical testing. Allele origin: germline.
Comment: This sequence change creates a premature translational stop signal (p.Gln851*) in the LAMB3 gene. It is expected to result in an absent or disrupted protein product. For these reasons, this variant has been classified as Pathogenic. Loss-of-function variants in LAMB3 are known to be pathogenic (PMID: 11023379, 16473856). This variant has not been reported in the literature in individuals with LAMB3-related disease. This variant is not present in population databases (ExAC no frequency).

Literature cited by the submitters: PubMed 11023379; PubMed 16473856.

NM_000228.3(LAMB3):c.2551C>T (p.Gln851Ter)

Gene: LAMB3 (laminin subunit beta 3; minus strand). Cytogenetic location: 1q32.2.
Variant type: single nucleotide variant.
Coding change: c.2551C>T on transcript NM_000228.3 (MANE Select); coding-DNA position 2551, C replaced by T.
Protein change: p.Gln851Ter; replaces glutamine 851 with a stop codon.
Molecular consequence: nonsense.
Genome position (GRCh38, 1-based): chr1:209,622,987, G>A on the plus strand (C>T on the coding strand, the complement: LAMB3 is on the minus strand). VCF-style: chr1-209622987-G-A. GRCh37 (hg19) VCF-style: chr1-209796332-G-A.
Other names: c.2551C>T, p.Gln851Ter (NM_001017402.2, NM_001127641.1); short protein forms Q851*.
Identifiers: ClinVar variation 664083 (VCV000664083.6), dbSNP rs1571804630, ClinGen allele CA344587802.